The following is an entry in ClinVar:

NM_002907.4(RECQL):c.207T>A (p.Asn69Lys)

Gene: RECQL (RecQ like helicase; minus strand). Cytogenetic location: 12p12.1.
Variant type: single nucleotide variant.
Coding change: c.207T>A on transcript NM_002907.4 (MANE Select); coding-DNA position 207, T replaced by A.
Protein change: p.Asn69Lys; replaces asparagine 69 with lysine.
Molecular consequence: missense variant.
Genome position (GRCh38, 1-based): chr12:21,491,526, A>T on the plus strand (T>A on the coding strand, the complement: RECQL is on the minus strand). VCF-style: chr12-21491526-A-T. GRCh37 (hg19) VCF-style: chr12-21644460-A-T.
Other names: c.207T>A, p.Asn69Lys (NM_032941.3); short protein forms N69K.
Identifiers: ClinVar variation 1785546 (VCV001785546.4), dbSNP rs766499454, ClinGen allele CA6479179.

ClinVar aggregate classification (germline): Uncertain significance. Review status: criteria provided, multiple submitters, no conflicts (2 of 4 stars). 2 submissions from 2 submitters: Uncertain significance (2). Last evaluated 2025-09-26.

Allele frequency attached by ClinVar (database versions not stated): ExAC 0.00005.

Submissions (2):

Ambry Genetics
Classification: Uncertain significance. Last evaluated: 2025-09-26. Review status: criteria provided, single submitter. Criteria: Ambry Variant Classification Scheme 2023. Collection method: clinical testing. Allele origin: germline.
Comment: The p.N69K variant (also known as c.207T>A), located in coding exon 2 of the RECQL gene, results from a T to A substitution at nucleotide position 207. The asparagine at codon 69 is replaced by lysine, an amino acid with similar properties. This amino acid position is well conserved in available vertebrate species. In addition, this alteration is predicted to be tolerated by in silico analysis. The evidence for this gene-disease relationship is limited; therefore, the clinical significance of this alteration is unclear.

GeneDx
Classification: Uncertain significance. Last evaluated: 2022-08-30. Review status: criteria provided, single submitter. Criteria: GeneDx Variant Classification Process June 2021. Collection method: clinical testing. Allele origin: germline. Affected: yes.
Comment: Not observed at significant frequency in large population cohorts (gnomAD); In silico analysis supports that this missense variant has a deleterious effect on protein structure/function; Has not been previously published as pathogenic or benign to our knowledge; This variant is associated with the following publications: (PMID: 19151156, 27248010)